The following is an entry in ClinVar:

NM_002474.3(MYH11):c.5881C>T (p.Arg1961Ter)

Genes: NDE1 (nudE neurodevelopment protein 1; plus strand), MYH11 (myosin heavy chain 11; minus strand). Cytogenetic location: 16p13.11.
Variant type: single nucleotide variant.
Coding change: c.5881C>T on transcript NM_002474.3 (MANE Select); coding-DNA position 5881, C replaced by T.
Protein change: p.Arg1961Ter; replaces arginine 1961 with a stop codon.
Molecular consequence: nonsense. On other transcripts: 3 prime UTR variant (2), intron variant (2).
Genome position (GRCh38, 1-based): chr16:15,704,029, G>A on the plus strand (C>T on the coding strand, the complement: MYH11 is on the minus strand). VCF-style: chr16-15704029-G-A. GRCh37 (hg19) VCF-style: chr16-15797886-G-A.
Other names: c.*103C>T (NM_001040113.2, NM_022844.3); c.5902C>T, p.Arg1968Ter (NM_001040114.2); c.947+7169G>A (NM_001143979.2, NM_017668.3); c.5881C>T (NM_002474.2); short protein forms R1961*, R1968*.
Identifiers: ClinVar variation 918428 (VCV000918428.6), dbSNP rs772155686, ClinGen allele CA7921048.

ClinVar aggregate classification (germline): Uncertain significance. Review status: criteria provided, multiple submitters, no conflicts (2 of 4 stars). 3 submissions from 3 submitters: Uncertain significance (3). Last evaluated 2023-12-06.

Conditions:
Familial thoracic aortic aneurysm and aortic dissection (TAAD). Also called: Thoracic aortic aneurysms and dissections. Identifiers: Orphanet 91387, MedGen C4707243, MONDO:0019625.

Allele frequency attached by ClinVar (database versions not stated): TOPMed 0.00001.
gnomAD v4.1: 5 of 1,614,018 alleles (0.00031%); highest among the groups gnomAD compares: East Asian, 0.0045%; no homozygotes.

Submissions (3):

GeneDx
Classification: Uncertain significance. Last evaluated: 2023-12-06. Review status: criteria provided, single submitter. Criteria: GeneDx Variant Classification Process June 2021. Collection method: clinical testing. Allele origin: germline. Affected: yes.
Comment: Has not been previously published as pathogenic or benign to our knowledge; Not observed at significant frequency in large population cohorts (gnomAD); Nonsense variant predicted to result in protein truncation as the last 12 amino acids are lost, although loss-of-function variants have not been reported downstream of this position in the protein

Revvity Omics, Revvity
Classification: Uncertain significance. Last evaluated: 2023-05-10. Review status: criteria provided, single submitter. Criteria: ACMG Guidelines, 2015. Collection method: clinical testing. Allele origin: germline.

Color Diagnostics, LLC DBA Color Health
Classification: Uncertain significance for Familial thoracic aortic aneurysm and aortic dissection. Last evaluated: 2019-10-15. Review status: criteria provided, single submitter. Criteria: ACMG Guidelines, 2015. Collection method: clinical testing. Allele origin: germline.
Comment: This variant is located in the 3' untranslated region of the MYH11 gene. To our knowledge, functional studies have not been performed for this variant. This variant has not been reported in individuals affected with cardiovascular disorders in the literature. This variant has been identified in 1/251488 chromosomes in the general population by the Genome Aggregation Database (gnomAD). The available evidence is insufficient to determine the role of this variant in disease conclusively. Therefore, this variant is classified as a Variant of Uncertain Significance.